The following is an entry in ClinVar:

ClinVar aggregate classification (germline): Uncertain significance (1 of 4 stars; one submission).

Submission:

Labcorp Genetics (formerly Invitae), Labcorp
Classification: Uncertain significance. Last evaluated: 2025-05-13. Review status: criteria provided, single submitter. Criteria: Invitae Variant Classification Sherloc (09022015). Collection method: clinical testing. Allele origin: germline.
Comment: This sequence change replaces methionine, which is neutral and non-polar, with threonine, which is neutral and polar, at codon 457 of the FRMD7 protein (p.Met457Thr). This variant is not present in population databases (gnomAD no frequency). This variant has not been reported in the literature in individuals affected with FRMD7-related conditions. An algorithm developed to predict the effect of missense changes on protein structure and function outputs the following: PolyPhen-2: "Benign". The threonine amino acid residue is found in multiple mammalian species, which suggests that this missense change does not adversely affect protein function. In summary, the available evidence is currently insufficient to determine the role of this variant in disease. Therefore, it has been classified as a Variant of Uncertain Significance.

NM_194277.3(FRMD7):c.1370T>C (p.Met457Thr)

Gene: FRMD7 (FERM domain containing 7; minus strand). Cytogenetic location: Xq26.2.
Variant type: single nucleotide variant.
Coding change: c.1370T>C on transcript NM_194277.3 (MANE Select); coding-DNA position 1370, T replaced by C.
Protein change: p.Met457Thr; replaces methionine 457 with threonine.
Molecular consequence: missense variant.
Genome position (GRCh38, 1-based): chrX:132,078,647, A>G on the plus strand (T>C on the coding strand, the complement: FRMD7 is on the minus strand). VCF-style: chrX-132078647-A-G. GRCh37 (hg19) VCF-style: chrX-131212675-A-G.
Other names: c.1325T>C, p.Met442Thr (NM_001306193.2); short protein forms M442T, M457T.
Identifiers: ClinVar variation 4718672 (VCV004718672.1).
Genomic context (GRCh38, chrX:132,078,647, plus strand): 5'-TCCGTGTAAGTTAGCTGCTTTGCTGGACGCACTTTGCTTGTGAGGCCAGAATATATGCTC[A>G]TGTGATTACCAGAAAACTTACAGCTTGTTTGGAAGGAGCTTAGAGAACTCCTCTCTGAAA-3'
Protein context (NP_919253.1, residues 447-467): QTSCKFSGNH[Met457Thr]SIYSGLTSKV